The following is an entry in ClinVar:

ClinVar aggregate classification (germline): Conflicting classifications of pathogenicity. Review status: criteria provided, conflicting classifications (1 of 4 stars). 4 submissions from 4 submitters: Uncertain significance (2); Likely benign (1). 1 of the submissions does not count toward it. Last evaluated 2026-02-02.

Conditions:
Autosomal recessive polycystic kidney disease (ARPKD). Also called: AR polycystic kidney disease. Identifiers: Orphanet 731, Orphanet 8378, MedGen C0085548, MeSH D017044, MONDO:0009889.
Inborn genetic diseases. Identifiers: MedGen C0950123, MeSH D030342.

Allele frequency attached by ClinVar (database versions not stated): gnomAD exomes below 0.00001 and 0.00004; ExAC 0.00007; gnomAD 0.00012 and 0.00014; TOPMed 0.00020; ESP Exome Variant Server 0.00031.
gnomAD v4.1: 26 of 1,610,098 alleles (0.0016%); highest among the groups gnomAD compares: African/African-American, 0.031%; no homozygotes.

Submissions (4):

Labcorp Genetics (formerly Invitae), Labcorp
Classification: Likely benign for Autosomal recessive polycystic kidney disease. Last evaluated: 2026-02-02. Review status: criteria provided, single submitter. Criteria: Invitae Variant Classification Sherloc (09022015). Collection method: clinical testing. Allele origin: germline.

Ambry Genetics
Classification: Uncertain significance for Inborn genetic diseases. Last evaluated: 2025-08-09. Review status: criteria provided, single submitter. Criteria: Ambry Variant Classification Scheme 2023. Collection method: clinical testing. Allele origin: germline.

GeneDx
Classification: Uncertain significance. Last evaluated: 2022-08-24. Review status: criteria provided, single submitter. Criteria: GeneDx Variant Classification Process June 2021. Collection method: clinical testing. Allele origin: germline. Affected: yes.
Comment: In silico analysis supports that this missense variant does not alter protein structure/function; Has not been previously published as pathogenic or benign to our knowledge

Natera, Inc.
Classification: Uncertain significance for Autosomal recessive polycystic kidney disease. Last evaluated: 2018-05-12. Review status: no assertion criteria provided. Collection method: clinical testing. Allele origin: germline. Not counted in ClinVar's aggregate classification.

NM_138694.4(PKHD1):c.9913A>G (p.Ile3305Val)

Gene: PKHD1 (PKHD1 ciliary IPT domain containing fibrocystin/polyductin; minus strand). Cytogenetic location: 6p12.3.
Variant type: single nucleotide variant.
Coding change: c.9913A>G on transcript NM_138694.4 (MANE Select); coding-DNA position 9913, A replaced by G.
Protein change: p.Ile3305Val; replaces isoleucine 3305 with valine.
Molecular consequence: missense variant.
Genome position (GRCh38, 1-based): chr6:51,746,806, T>C on the plus strand (A>G on the coding strand, the complement: PKHD1 is on the minus strand). VCF-style: chr6-51746806-T-C. GRCh37 (hg19) VCF-style: chr6-51611604-T-C.
Other names: c.9913A>G, p.Ile3305Val (NM_170724.3); short protein forms I3305V.
Identifiers: ClinVar variation 971628 (VCV000971628.17), dbSNP rs145745489, ClinGen allele CA3851293.